The following is an entry in ClinVar:

ClinVar aggregate classification (germline): Uncertain significance (1 of 4 stars; one submission).

gnomAD v4.1: 2 of 1,612,648 alleles (0.00012%); highest among the groups gnomAD compares: South Asian, 0.0022%; no homozygotes.

Submission:

Labcorp Genetics (formerly Invitae), Labcorp
Classification: Uncertain significance. Last evaluated: 2024-02-02. Review status: criteria provided, single submitter. Criteria: Invitae Variant Classification Sherloc (09022015). Collection method: clinical testing. Allele origin: germline.
Comment: This sequence change replaces proline, which is neutral and non-polar, with leucine, which is neutral and non-polar, at codon 736 of the LZTR1 protein (p.Pro736Leu). This variant is not present in population databases (gnomAD no frequency). This variant has not been reported in the literature in individuals affected with LZTR1-related conditions. Advanced modeling of protein sequence and biophysical properties (such as structural, functional, and spatial information, amino acid conservation, physicochemical variation, residue mobility, and thermodynamic stability) performed at Invitae indicates that this missense variant is not expected to disrupt LZTR1 protein function with a negative predictive value of 80%. In summary, the available evidence is currently insufficient to determine the role of this variant in disease. Therefore, it has been classified as a Variant of Uncertain Significance.

NM_006767.4(LZTR1):c.2207C>T (p.Pro736Leu)

Gene: LZTR1 (leucine zipper like post translational regulator 1; plus strand). Cytogenetic location: 22q11.21.
Variant type: single nucleotide variant.
Coding change: c.2207C>T on transcript NM_006767.4 (MANE Select); coding-DNA position 2207, C replaced by T.
Protein change: p.Pro736Leu; replaces proline 736 with leucine.
Molecular consequence: missense variant.
Genome position (GRCh38, 1-based): chr22:20,996,100, C>T. VCF-style: chr22-20996100-C-T. GRCh37 (hg19) VCF-style: chr22-21350389-C-T.
Other names: short protein forms P736L.
Identifiers: ClinVar variation 3711194 (VCV003711194.2).